The following is an entry in ClinVar:

ClinVar aggregate classification (germline): Uncertain significance (1 of 4 stars; one submission).

gnomAD v4.1: 6 of 1,611,126 alleles (0.00037%); highest among the groups gnomAD compares: African/African-American, 0.0067%; no homozygotes.

Submission:

Labcorp Genetics (formerly Invitae), Labcorp
Classification: Uncertain significance. Last evaluated: 2023-11-03. Review status: criteria provided, single submitter. Criteria: Invitae Variant Classification Sherloc (09022015). Collection method: clinical testing. Allele origin: germline.
Comment: This sequence change replaces lysine, which is basic and polar, with asparagine, which is neutral and polar, at codon 1233 of the PCLO protein (p.Lys1233Asn). This variant is not present in population databases (gnomAD no frequency). This variant has not been reported in the literature in individuals affected with PCLO-related conditions. Experimental studies and prediction algorithms are not available or were not evaluated, and the functional significance of this variant is currently unknown. In summary, the available evidence is currently insufficient to determine the role of this variant in disease. Therefore, it has been classified as a Variant of Uncertain Significance.

NM_033026.6(PCLO):c.3699G>C (p.Lys1233Asn)

Gene: PCLO (piccolo presynaptic cytomatrix protein; minus strand). Cytogenetic location: 7q21.11.
Variant type: single nucleotide variant.
Coding change: c.3699G>C on transcript NM_033026.6 (MANE Select); coding-DNA position 3699, G replaced by C.
Protein change: p.Lys1233Asn; replaces lysine 1233 with asparagine.
Molecular consequence: missense variant.
Genome position (GRCh38, 1-based): chr7:82,966,089, C>G on the plus strand (G>C on the coding strand, the complement: PCLO is on the minus strand). VCF-style: chr7-82966089-C-G. GRCh37 (hg19) VCF-style: chr7-82595405-C-G.
Other names: c.3699G>C, p.Lys1233Asn (NM_014510.3); short protein forms K1233N.
Identifiers: ClinVar variation 3008616 (VCV003008616.3), dbSNP rs775849413, ClinGen allele CA161160156.
Genomic context (GRCh38, chr7:82,966,089, plus strand): 5'-TTTTGCCTCTGGGAGTAGCTTTTTGTCTTCAGGGGTTGGCTTTTTTTCTTCTAGGAGTGG[C>G]TTTTTTTCTTCAGAACGTATCTTTTCTTCTTCAGGGATTAGTTTTTTTTCTTCAGGGAGT-3'
Protein context (NP_149015.2, residues 1223-1243): EEEKIRSEEK[Lys1233Asn]PLLEEKKPTP